The following is an entry in ClinVar:

ClinVar aggregate classification (germline): Likely benign. Review status: criteria provided, multiple submitters, no conflicts (2 of 4 stars). 5 submissions from 5 submitters: Likely benign (5). Last evaluated 2026-09-17.

Conditions:
Age related macular degeneration 14. Also called: MACULAR DEGENERATION, AGE-RELATED, 14, REDUCED RISK OF. Identifiers: MedGen C3809653, MONDO:0014207, OMIM 615489.
Complement factor b deficiency. Identifiers: MedGen C3809950, MONDO:0014255, OMIM 615561.
Atypical hemolytic-uremic syndrome with B factor anomaly. Also called: HEMOLYTIC UREMIC SYNDROME, ATYPICAL, SUSCEPTIBILITY TO, 4; AHUS, SUSCEPTIBILITY TO, 4. Identifiers: Orphanet 2134, MedGen C2752038, MONDO:0013042, OMIM 612924.
Atypical hemolytic-uremic syndrome. Identifiers: Orphanet 2134, MedGen C2931788, MONDO:0016244.

Allele frequency attached by ClinVar (database versions not stated): ExAC 0.00003; gnomAD 0.00005 and 0.00007; gnomAD exomes 0.00006; TOPMed 0.00009; 1000 Genomes Project 30x 0.00016; 1000 Genomes Project 0.00020.
gnomAD v4.1: 107 of 1,613,042 alleles (0.0066%); highest among the groups gnomAD compares: Middle Eastern, 0.033%; no homozygotes.

Submissions (5):

Genomenon, Inc
Classification: Likely benign for Atypical hemolytic-uremic syndrome. Last evaluated: 2026-09-17. Review status: criteria provided, single submitter. Criteria: Genomenon Sequence Variant Interpretation Standards - Updated. Collection method: curation. Allele origin: germline. Affected: yes.
Comment: CFB c.1778+8C>T is an intronic variant located in intron 13. This variant has been observed in at least one proband affected with atypical hemolytic-uremic syndrome (PMID:36845135). It is absent or not present at a significant frequency in gnomAD. This variant is not predicted to impact splicing. In conclusion, we classify CFB c.1778+8C>T as a likely benign variant.

Labcorp Genetics (formerly Invitae), Labcorp
Classification: Likely benign. Last evaluated: 2025-11-27. Review status: criteria provided, single submitter. Criteria: Invitae Variant Classification Sherloc (09022015). Collection method: clinical testing. Allele origin: germline.

Blueprint Genetics
Classification: Likely benign. Last evaluated: 2023-10-12. Review status: criteria provided, single submitter. Criteria: ACMG Guidelines, 2015. Collection method: clinical testing. Allele origin: germline.

Fulgent Genetics
Classification: Likely benign for Atypical hemolytic-uremic syndrome with B factor anomaly; Age related macular degeneration 14; Complement factor b deficiency. Last evaluated: 2022-04-08. Review status: criteria provided, single submitter. Criteria: ACMG Guidelines, 2015. Collection method: clinical testing. Allele origin: unknown.

Breakthrough Genomics
Classification: Likely benign. Review status: criteria provided, single submitter. Criteria: ACMG Guidelines, 2015. Collection method: not provided. Allele origin: germline. Inheritance: Autosomal recessive inheritance. Affected: yes.

Literature cited by the submitters: PubMed 36845135 (cited by Genomenon, Inc).

NM_001710.6(CFB):c.1778+8C>T

Gene: CFB (complement factor B; plus strand). Cytogenetic location: 6p21.33.
Variant type: single nucleotide variant.
Coding change: c.1778+8C>T on transcript NM_001710.6 (MANE Select); 8 bases into the intron after coding-DNA position 1778, C replaced by T.
Molecular consequence: intron variant.
Genome position (GRCh38, 1-based): chr6:31,950,780, C>T. VCF-style: chr6-31950780-C-T. GRCh37 (hg19) VCF-style: chr6-31918557-C-T.
Identifiers: ClinVar variation 1575611 (VCV001575611.13), dbSNP rs148298609, ClinGen allele CA3728439.